The following is an entry in ClinVar:

NM_032638.5(GATA2):c.1025_1026insGCCG (p.Arg343fs)

Gene: GATA2 (GATA binding protein 2; minus strand). Cytogenetic location: 3q21.3.
Variant type: Insertion.
Coding change: c.1025_1026insGCCG on transcript NM_032638.5 (MANE Select); coding-DNA positions 1025 to 1026, GCCG inserted.
Protein change: p.Arg343fs; shifts the reading frame from arginine 343.
Molecular consequence: frameshift variant. On other transcripts: intron variant (1).
Genome position: GRCh38 VCF-style: chr3-128481936-G-GCGGC. GRCh37 (hg19) VCF-style: chr3-128200779-G-GCGGC.
Other names: c.1025_1026insGCCG, p.Arg343fs (NM_001145661.2); c.1018-35_1018-34insGCCG (NM_001145662.1); short protein forms R343fs.
Identifiers: ClinVar variation 1184217 (VCV001184217.1), dbSNP rs2107668832, ClinGen allele CA2499216451.
Genomic context (GRCh38, chr3:128,481,936, plus strand): 5'-TCGGCGCCATAAGGTGGTGGTTGTCGTCTGACAATTTGCACAACAGGTGCCGGCTCTTCT[G>GCGGC]GCGGCCGACTGGGAGGGCAAGGCAGCGTCAGCAGGCTGGACTCCCACGCCCACCTCGACC-3'

ClinVar aggregate classification (germline): Pathogenic (1 of 4 stars; one submission).

Conditions:
Deafness-lymphedema-leukemia syndrome. Also called: Emberger syndrome; Lymphedema, primary, with myelodysplasia. Identifiers: Orphanet 3226, MedGen C3279664, MONDO:0013540, OMIM 614038.
GATA2 deficiency with susceptibility to MDS/AML. Identifiers: MedGen CN300066, MONDO:0042982.

Submission:

Molecular Pathology Research Laboratory, SA Pathology
Classification: Pathogenic for GATA2 deficiency with susceptibility to MDS/AML; Deafness-lymphedema-leukemia syndrome. Last evaluated: 2021-07-06. Review status: criteria provided, single submitter. Criteria: ACMG Guidelines, 2015. Collection method: curation. Allele origin: unknown. Inheritance: Autosomal dominant inheritance. Affected: yes. Observed: 1 variant allele.
Comment: PVS1, PS4_Supporting, PM2

Literature cited by the submitters: PubMed 23365458; PubMed 2543925.